The following is an entry in ClinVar:

ClinVar aggregate classification (germline): Uncertain significance (1 of 4 stars; one submission).

Conditions:
Malignant hyperthermia, susceptibility to, 5 (MHS5). Also called: CACNA1S-Related Malignant Hyperthermia Susceptibility. Identifiers: Orphanet 423, MedGen C1866077, MONDO:0011163, OMIM 601887.

gnomAD v4.1: 2 of 1,614,112 alleles (0.00012%); highest among the groups gnomAD compares: Non-Finnish European, 0.000085%; no homozygotes.

Submission:

Color Diagnostics, LLC DBA Color Health
Classification: Uncertain significance for Malignant hyperthermia, susceptibility to, 5. Last evaluated: 2025-09-11. Review status: criteria provided, single submitter. Criteria: ACMG Guidelines, 2015. Collection method: clinical testing. Allele origin: germline.
Comment: This missense variant replaces glycine with valine at codon 523 of the CACNA1S protein. Computational prediction suggests that this variant may have deleterious impact on protein structure and function. To our knowledge, functional studies have not been reported for this variant. This variant has not been reported in individuals affected with CACNA1S-related disorders in the literature. This variant has not been identified in the general population by the Genome Aggregation Database (gnomAD). The available evidence is insufficient to determine the role of this variant in disease conclusively. Therefore, this variant is classified as a Variant of Uncertain Significance.

NM_000069.3(CACNA1S):c.1568G>T (p.Gly523Val)

Gene: CACNA1S (calcium voltage-gated channel subunit alpha1 S; minus strand). Cytogenetic location: 1q32.1.
Variant type: single nucleotide variant.
Coding change: c.1568G>T on transcript NM_000069.3 (MANE Select); coding-DNA position 1568, G replaced by T.
Protein change: p.Gly523Val; replaces glycine 523 with valine.
Molecular consequence: missense variant.
Genome position (GRCh38, 1-based): chr1:201,077,930, C>A on the plus strand (G>T on the coding strand, the complement: CACNA1S is on the minus strand). VCF-style: chr1-201077930-C-A. GRCh37 (hg19) VCF-style: chr1-201047058-C-A.
Other names: short protein forms G523V.
Identifiers: ClinVar variation 4756509 (VCV004756509.1).